The following is an entry in ClinVar:

NM_000238.4(KCNH2):c.2142C>T (p.Asn714=)

Gene: KCNH2 (potassium voltage-gated channel subfamily H member 2; minus strand). Cytogenetic location: 7q36.1.
Variant type: single nucleotide variant.
Coding change: c.2142C>T on transcript NM_000238.4 (MANE Select); coding-DNA position 2142, C replaced by T.
Protein change: p.Asn714=; no amino-acid change (asparagine 714 retained).
Molecular consequence: synonymous variant. On other transcripts: non-coding transcript variant (2).
Genome position (GRCh38, 1-based): chr7:150,950,924, G>A on the plus strand (C>T on the coding strand, the complement: KCNH2 is on the minus strand). VCF-style: chr7-150950924-G-A. GRCh37 (hg19) VCF-style: chr7-150648012-G-A.
Other names: c.1122C>T, p.Asn374= (NM_001204798.2, NM_172057.3); c.1854C>T, p.Asn618= (NM_001406753.1, NM_001406756.1); c.1965C>T, p.Asn655= (NM_001406755.1); c.1842C>T, p.Asn614= (NM_001406757.1); c.2142C>T, p.Asn714= (NM_172056.3).
Identifiers: ClinVar variation 699065 (VCV000699065.20), dbSNP rs552000706, ClinGen allele CA030783.

ClinVar aggregate classification (germline): Likely benign. Review status: criteria provided, multiple submitters, no conflicts (2 of 4 stars). 5 submissions from 5 submitters: Likely benign (5). Last evaluated 2025-12-31.

Conditions:
Cardiac arrhythmia. Also called: Arrhythmia; Cardiac rhythm disease. Identifiers: MedGen C0003811, MONDO:0007263, HP:0011675.
Long QT syndrome (LQTS). Identifiers: MedGen C0023976, MeSH D008133, MONDO:0002442. Disease mechanism: loss of function. Inheritance: Various modes of inheritance.
Cardiovascular phenotype. Identifiers: MedGen CN230736.

Allele frequency attached by ClinVar (database versions not stated): gnomAD exomes 0.00001 and 0.00002; ExAC 0.00003; gnomAD 0.00003 and 0.00004; TOPMed 0.00003; 1000 Genomes Project 30x 0.00016; 1000 Genomes Project 0.00020.
gnomAD v4.1: 27 of 1,614,070 alleles (0.0017%); highest among the groups gnomAD compares: East Asian, 0.011%; no homozygotes.

Submissions (5):

Labcorp Genetics (formerly Invitae), Labcorp
Classification: Likely benign for Long QT syndrome. Last evaluated: 2025-12-31. Review status: criteria provided, single submitter. Criteria: Invitae Variant Classification Sherloc (09022015). Collection method: clinical testing. Allele origin: germline.

All of Us Research Program, National Institutes of Health
Classification: Likely benign for Long QT syndrome. Last evaluated: 2024-07-29. Review status: criteria provided, single submitter. Criteria: ACMG Guidelines, 2015. Collection method: clinical testing. Allele origin: germline. Inheritance: Autosomal dominant inheritance. Observed: 4 variant alleles, 4 heterozygotes.
Comment: This study involves interpretation of variants in research participants for the purpose of population health screening. Participant phenotype was not available at the time of variant classification. Additional details can be found in publication PMID: 35346344, PMCID: PMC8962531

Ambry Genetics
Classification: Likely benign for Cardiovascular phenotype. Last evaluated: 2024-06-21. Review status: criteria provided, single submitter. Criteria: Ambry Variant Classification Scheme 2023. Collection method: clinical testing. Allele origin: germline.

GeneDx
Classification: Likely benign. Last evaluated: 2020-09-14. Review status: criteria provided, single submitter. Criteria: GeneDx Variant Classification Process June 2021. Collection method: clinical testing. Allele origin: germline. Affected: yes.

Color Diagnostics, LLC DBA Color Health
Classification: Likely benign for Cardiac arrhythmia. Last evaluated: 2020-07-13. Review status: criteria provided, single submitter. Criteria: ACMG Guidelines, 2015. Collection method: clinical testing. Allele origin: germline.